The following is an entry in ClinVar:

NM_170707.4(LMNA):c.280T>C (p.Ser94Pro)

Gene: LMNA (lamin A/C; plus strand). Cytogenetic location: 1q22.
Variant type: single nucleotide variant.
Coding change: c.280T>C on transcript NM_170707.4 (MANE Select); coding-DNA position 280, T replaced by C.
Protein change: p.Ser94Pro; replaces serine 94 with proline.
Molecular consequence: missense variant.
Genome position (GRCh38, 1-based): chr1:156,115,198, T>C. VCF-style: chr1-156115198-T-C. GRCh37 (hg19) VCF-style: chr1-156084989-T-C.
Other names: c.280T>C, p.Ser94Pro (NM_001282625.2, NM_001282626.2, NM_005572.4 and 1 more transcripts); short protein forms S94P.
Identifiers: ClinVar variation 1357086 (VCV001357086.8), dbSNP rs2102818745, ClinGen allele CA342808593.
Genomic context (GRCh38, chr1:156,115,198, plus strand): 5'-GTGTCCGGCATCAAGGCCGCCTACGAGGCCGAGCTCGGGGATGCCCGCAAGACCCTTGAC[T>C]CAGTAGCCAAGGAGCGCGCCCGCCTGCAGCTGGAGCTGAGCAAAGTGCGTGAGGAGTTTA-3'
Protein context (NP_733821.1, residues 84-104): ELGDARKTLD[Ser94Pro]VAKERARLQL

ClinVar aggregate classification (germline): Pathogenic (1 of 4 stars; one submission).

Conditions:
Charcot-Marie-Tooth disease type 2. Also called: Charcot-Marie-Tooth type 2. Identifiers: Orphanet 64746, MedGen C0270914, MONDO:0018993.

Submission:

Labcorp Genetics (formerly Invitae), Labcorp
Classification: Pathogenic for Charcot-Marie-Tooth disease type 2. Last evaluated: 2022-11-29. Review status: criteria provided, single submitter. Criteria: Invitae Variant Classification Sherloc (09022015). Collection method: clinical testing. Allele origin: germline.
Comment: Advanced modeling of protein sequence and biophysical properties (such as structural, functional, and spatial information, amino acid conservation, physicochemical variation, residue mobility, and thermodynamic stability) performed at Invitae indicates that this missense variant is expected to disrupt LMNA protein function. ClinVar contains an entry for this variant (Variation ID: 1357086). This missense change has been observed in individual(s) with dilated cardiomyopathy (PMID: 31521807). In at least one individual the variant was observed to be de novo. This variant is not present in population databases (gnomAD no frequency). This sequence change replaces serine, which is neutral and polar, with proline, which is neutral and non-polar, at codon 94 of the LMNA protein (p.Ser94Pro). For these reasons, this variant has been classified as Pathogenic.

Literature cited by the submitters: PubMed 31521807.